The following is an entry in ClinVar:

ClinVar aggregate classification (germline): Likely pathogenic (1 of 4 stars; one submission).

Conditions:
COL2A1-related disorder. Also called: COL2A1-related condition; COL2A1-related disorders.

Submission:

3billion
Classification: Likely pathogenic for COL2A1-related disorder. Last evaluated: 2025-05-27. Review status: criteria provided, single submitter. Criteria: ACMG Guidelines, 2015. Collection method: clinical testing. Allele origin: germline. Affected: yes.
Comment: The variant is not observed in the gnomAD v4.1.0 dataset. Predicted Consequence/Location: The variant is located in a mutational hot spot and/or well-established functional domain in which established pathogenic variants have been reported (PMID: 26626311). In silico tool predictions suggest damaging effect of the variant on gene or gene product [REVEL: 0.98 (>=0.6, sensitivity 0.68 and specificity 0.92); 3Cnet: 0.99 (> 0.75, sensitivity 0.96 and precision 0.92)]. The same nucleotide change resulting in the same amino acid change has been previously reported to be associated with COL2A1-related disorder (PMID: 15895462).Different missense changes at the same codon (p.Gly402Arg, p.Gly402Trp, p.Gly402Val) have been reported as pathogenic/likely pathogenic with strong evidence (ClinVar ID: VCV001224323, VCV003662797, VCV003720383 /PMID: 35616356). Therefore, this variant is classified as Likely pathogenic according to the recommendation of ACMG/AMP guideline.

Literature cited by the submitters: PubMed 35616356; PubMed 15895462.

NM_001844.5(COL2A1):c.1205G>A (p.Gly402Glu)

Gene: COL2A1 (collagen type II alpha 1 chain; minus strand). Cytogenetic location: 12q13.11.
Variant type: single nucleotide variant.
Coding change: c.1205G>A on transcript NM_001844.5 (MANE Select); coding-DNA position 1205, G replaced by A.
Protein change: p.Gly402Glu; replaces glycine 402 with glutamic acid.
Molecular consequence: missense variant.
Genome position (GRCh38, 1-based): chr12:47,987,627, C>T on the plus strand (G>A on the coding strand, the complement: COL2A1 is on the minus strand). VCF-style: chr12-47987627-C-T. GRCh37 (hg19) VCF-style: chr12-48381410-C-T.
Other names: c.998G>A, p.Gly333Glu (NM_033150.3); short protein forms G333E, G402E.
Identifiers: ClinVar variation 4854145 (VCV004854145.1).
Genomic context (GRCh38, chr12:47,987,627, plus strand): 5'-CACAGACCCCAGACCCCCCCAGGCCAAAGAGAAGCTGCACTTACGGAGGCACCAGCAGGC[C>T]CAGGGGACCCAGGAGTACCAGGTTCACCGCGAGGACCTTGAGCACCTTCAGGACCACGGG-3'
Protein context (NP_001835.3, residues 392-412): RGEPGTPGSP[Gly402Glu]PAGASGNPGT